The following is an entry in ClinVar:

NM_014491.4(FOXP2):c.1462T>G (p.Ser488Ala)

Gene: FOXP2 (forkhead box P2; plus strand). Cytogenetic location: 7q31.1.
Variant type: single nucleotide variant.
Coding change: c.1462T>G on transcript NM_014491.4 (MANE Select); coding-DNA position 1462, T replaced by G.
Protein change: p.Ser488Ala; replaces serine 488 with alanine.
Molecular consequence: missense variant. On other transcripts: non-coding transcript variant (1).
Genome position (GRCh38, 1-based): chr7:114,658,261, T>G. VCF-style: chr7-114658261-T-G. GRCh37 (hg19) VCF-style: chr7-114298316-T-G.
Other names: c.1459T>G, p.Ser487Ala (NM_001172766.3); c.1537T>G, p.Ser513Ala (NM_148898.4); c.1513T>G, p.Ser505Ala (NM_148900.4); short protein forms S505A, S488A, S513A, S487A.
Identifiers: ClinVar variation 282256 (VCV000282256.9), dbSNP rs201320940, ClinGen allele CA4446110.

ClinVar aggregate classification (germline): Conflicting classifications of pathogenicity. Review status: criteria provided, conflicting classifications (1 of 4 stars). 4 submissions from 4 submitters: Uncertain significance (3); Benign (1). Last evaluated 2022-02-14.

Conditions:
Inborn genetic diseases. Identifiers: MedGen C0950123, MeSH D030342.
Childhood apraxia of speech (SPCH1). Also called: Speech language disorder; DEVELOPMENTAL VERBAL DYSPRAXIA; SPEECH AND LANGUAGE DISORDER WITH OROFACIAL DYSPRAXIA; FOXP2-Related Speech and Language Disorder. Identifiers: Orphanet 209908, MedGen C0750927, MONDO:0011184, OMIM 602081.

Allele frequency attached by ClinVar (database versions not stated): gnomAD below 0.00001 and 0.00004; TOPMed 0.00003; gnomAD exomes 0.00019 and 0.00033; ExAC 0.00035.
gnomAD v4.1: 286 of 1,613,564 alleles (0.018%); highest among the groups gnomAD compares: South Asian, 0.3%; 3 homozygotes.

Submissions (4):

Department of Pathology and Laboratory Medicine, Sinai Health System
Classification: Uncertain significance for Childhood apraxia of speech. Last evaluated: 2022-02-14. Review status: criteria provided, single submitter. Criteria: ACMG Guidelines, 2015. Collection method: research. Allele origin: germline.

Ambry Genetics
Classification: Benign for Inborn genetic diseases. Last evaluated: 2019-08-01. Review status: criteria provided, single submitter. Criteria: Ambry Variant Classification Scheme 2023. Collection method: clinical testing. Allele origin: germline.

Eurofins Ntd Llc (ga)
Classification: Uncertain significance. Last evaluated: 2015-08-12. Review status: criteria provided, single submitter. Criteria: EGL Classification Definitions 2015. Collection method: clinical testing. Allele origin: germline. Observed: 2 variant alleles, 2 heterozygotes.

Neuberg Centre For Genomic Medicine, NCGM
Classification: Uncertain significance for Childhood apraxia of speech. Review status: criteria provided, single submitter. Criteria: ACMG Guidelines, 2015. Collection method: clinical testing. Allele origin: germline. Affected: yes.
Comment: The missense variant c.1537T>G (p.Ser513Ala) in FOXP2 gene has been submitted to ClinVar as a Variant of Uncertain Significance, but no details are available for independent assessment. It has not been reported in affected individuals. The p.Ser513Ala variant is reported with the allele frequency (0.03%) in the gnomAD Exomes and is novel (not in any individuals) in 1000 Genomes. The amino acid Ser at position 513 is changed to a Ala changing protein sequence and it might alter its composition and physico-chemical properties. The variant is predicted to be damaging by PolyPhen2 and the residue is conserved across species. The amino acid change p.Ser513Ala in FOXP2 is predicted as conserved by GERP++ and PhyloP across 100 vertebrates. For these reasons, this variant has been classified as Variant of Uncertain Significance (VUS